The following is an entry in ClinVar:

NM_007052.5(NOX1):c.1237A>G (p.Ile413Val)

Gene: NOX1 (NADPH oxidase 1; minus strand). Cytogenetic location: Xq22.1.
Variant type: single nucleotide variant.
Coding change: c.1237A>G on transcript NM_007052.5 (MANE Select); coding-DNA position 1237, A replaced by G.
Protein change: p.Ile413Val; replaces isoleucine 413 with valine.
Molecular consequence: missense variant.
Genome position (GRCh38, 1-based): chrX:100,849,831, T>C on the plus strand (A>G on the coding strand, the complement: NOX1 is on the minus strand). VCF-style: chrX-100849831-T-C. GRCh37 (hg19) VCF-style: chrX-100104820-T-C.
Other names: c.1126A>G, p.Ile376Val (NM_001271815.2); c.1237A>G, p.Ile413Val (NM_013955.3); short protein forms I376V, I413V.
Identifiers: ClinVar variation 3056188 (VCV003056188.2), dbSNP rs140908448, ClinGen allele CA10470485.

ClinVar aggregate classification (germline): Likely benign (0 of 4 stars; one submission).

Conditions:
NOX1-related disorder. Also called: NOX1-related condition.

Allele frequency attached by ClinVar (database versions not stated): gnomAD exomes 0.00018; ExAC 0.00061; 1000 Genomes Project 30x 0.00104; 1000 Genomes Project 0.00132; gnomAD 0.00190; TOPMed 0.00206; ESP Exome Variant Server 0.00218.
gnomAD v4.1: 408 of 1,209,911 alleles (0.034%); highest among the groups gnomAD compares: African/African-American, 0.67%; 4 homozygotes.

Submission:

PreventionGenetics, part of Exact Sciences
Classification: Likely benign for NOX1-related condition. Last evaluated: 2019-08-14. Review status: no assertion criteria provided. Collection method: clinical testing. Allele origin: germline.
Comment: This variant is classified as likely benign based on ACMG/AMP sequence variant interpretation guidelines (Richards et al. 2015 PMID: 25741868, with internal and published modifications).